The following is an entry in ClinVar:

NM_015570.4(AUTS2):c.3632C>A (p.Thr1211Asn)

Gene: AUTS2 (activator of transcription and developmental regulator AUTS2; plus strand). Cytogenetic location: 7q11.22.
Variant type: single nucleotide variant.
Coding change: c.3632C>A on transcript NM_015570.4 (MANE Select); coding-DNA position 3632, C replaced by A.
Protein change: p.Thr1211Asn; replaces threonine 1211 with asparagine.
Molecular consequence: missense variant.
Genome position (GRCh38, 1-based): chr7:70,790,848, C>A. VCF-style: chr7-70790848-C-A. GRCh37 (hg19) VCF-style: chr7-70255834-C-A.
Other names: c.3560C>A, p.Thr1187Asn (NM_001127231.3); short protein forms T1187N, T1211N.
Identifiers: ClinVar variation 930760 (VCV000930760.3), dbSNP rs1416757959, ClinGen allele CA367666607.

ClinVar aggregate classification (germline): Uncertain significance (1 of 4 stars; one submission).

Conditions:
Autism spectrum disorder due to AUTS2 deficiency (MRD26). Also called: INTELLECTUAL DEVELOPMENTAL DISORDER, AUTOSOMAL DOMINANT 26. Identifiers: Orphanet 352490, MedGen C4014435, MONDO:0014361, OMIM 615834.

Submission:

Centre for Mendelian Genomics, University Medical Centre Ljubljana
Classification: Uncertain significance for Autism spectrum disorder due to AUTS2 deficiency. Last evaluated: 2019-09-09. Review status: criteria provided, single submitter. Criteria: ACMG Guidelines, 2015. Collection method: clinical testing. Allele origin: unknown. Affected: yes.
Comment: This variant was classified as: Uncertain significance. The available evidence on this variant's pathogenicity is insufficient or conflicting. The following ACMG criteria were applied in classifying this variant: PM2.